The following is an entry in ClinVar:

NM_001009944.3(PKD1):c.10776C>G (p.Ser3592Arg)

Genes: PKD1 (polycystin 1, transient receptor potential channel interacting; minus strand), PKD1-AS1 (PKD1 antisense RNA 1; plus strand). Cytogenetic location: 16p13.3.
Variant type: single nucleotide variant.
Coding change: c.10776C>G on transcript NM_001009944.3 (MANE Select); coding-DNA position 10776, C replaced by G.
Protein change: p.Ser3592Arg; replaces serine 3592 with arginine.
Molecular consequence: missense variant.
Genome position (GRCh38, 1-based): chr16:2,093,856, G>C on the plus strand (C>G on the coding strand, the complement: PKD1 is on the minus strand). VCF-style: chr16-2093856-G-C. GRCh37 (hg19) VCF-style: chr16-2143857-G-C.
Other names: c.10773C>G, p.Ser3591Arg (NM_000296.4); short protein forms S3591R, S3592R.
Identifiers: ClinVar variation 3578989 (VCV003578989.3).

ClinVar aggregate classification (germline): Uncertain significance. Review status: criteria provided, multiple submitters, no conflicts (2 of 4 stars). 3 submissions from 3 submitters: Uncertain significance (3). Last evaluated 2024-03-29.

Conditions:
Polycystic kidney disease, adult type (PKD1). Also called: Polycystic Kidney, Autosomal Dominant; POLYCYSTIC KIDNEY DISEASE, ADULT, TYPE I; Polycystic Kidney Disease 1, Autosomal Dominant; Polycystic kidney disease 1; Polycystic kidney disease 1, severe; POLYCYSTIC KIDNEY DISEASE 1 WITH OR WITHOUT POLYCYSTIC LIVER DISEASE. Identifiers: MedGen C3149841, MONDO:0008263, OMIM 173900.

Submissions (3):

Fulgent Genetics
Classification: Uncertain significance for Polycystic kidney disease, adult type. Last evaluated: 2024-03-29. Review status: criteria provided, single submitter. Criteria: ACMG Guidelines, 2015. Collection method: clinical testing. Allele origin: germline.

Blueprint Genetics
Classification: Uncertain significance. Last evaluated: 2022-04-07. Review status: criteria provided, single submitter. Criteria: ACMG Guidelines, 2015. Collection method: clinical testing. Allele origin: germline.

Juno Genomics, Hangzhou Juno Genomics, Inc
Classification: Uncertain significance for Polycystic kidney disease, adult type. Review status: criteria provided, single submitter. Criteria: ACMG Guidelines, 2015. Collection method: clinical testing. Allele origin: germline. Affected: yes.
Comment: Absent from controls (or at extremely low frequency if recessive) in Genome Aggregation Database.;The prevalence of the variant in affected individuals is significantly increased compared to the prevalence in controls.;Patient's phenotype or family history is highly specific for a disease with a single genetic etiology.